The following is an entry in ClinVar:

ClinVar aggregate classification (germline): Uncertain significance. Review status: criteria provided, multiple submitters, no conflicts (2 of 4 stars). 2 submissions from 2 submitters: Uncertain significance (2). Last evaluated 2025-07-15.

Conditions:
PLIN1-related disorder. Also called: PLIN1-related condition.
PLIN1-related familial partial lipodystrophy. Also called: LIPODYSTROPHY, FAMILIAL PARTIAL, ASSOCIATED WITH PLIN1 MUTATIONS. Identifiers: Orphanet 280356, MedGen C5191005, MONDO:0013478, OMIM 613877.

Submissions (2):

PreventionGenetics, part of Exact Sciences
Classification: Uncertain significance for PLIN1-related condition. Last evaluated: 2025-07-15. Review status: criteria provided, single submitter. Criteria: ACMG Guidelines, 2015. Collection method: clinical testing. Allele origin: germline.
Comment: The PLIN1 c.358A>G variant is predicted to result in the amino acid substitution p.Ile120Val. This variant has been reported in cohort studies of individuals with dyslipidemias (Dron et al. 2020. PubMed ID: 32041611) and severe hypertriglyceridemia (Mendes et al. 2024. PubMed ID: 38933898). This variant is reported in 0.027% of alleles in individuals of European (Non-Finnish) descent in gnomAD, which is likely too common for a primary cause of disease. Although we suspect that this variant may be benign, at this time, the clinical significance of this variant is uncertain due to the absence of conclusive functional and genetic evidence.

Department of Pathology and Laboratory Medicine, Sinai Health System
Classification: Uncertain significance for PLIN1-related familial partial lipodystrophy. Last evaluated: 2020-07-27. Review status: criteria provided, single submitter. Criteria: ACMG Guidelines, 2015. Collection method: research. Allele origin: germline.

NM_002666.5(PLIN1):c.358A>G (p.Ile120Val)

Gene: PLIN1 (perilipin 1; minus strand). Cytogenetic location: 15q26.1.
Variant type: single nucleotide variant.
Coding change: c.358A>G on transcript NM_002666.5 (MANE Select); coding-DNA position 358, A replaced by G.
Protein change: p.Ile120Val; replaces isoleucine 120 with valine.
Molecular consequence: missense variant.
Genome position (GRCh38, 1-based): chr15:89,670,220, T>C on the plus strand (A>G on the coding strand, the complement: PLIN1 is on the minus strand). VCF-style: chr15-89670220-T-C. GRCh37 (hg19) VCF-style: chr15-90213451-T-C.
Other names: c.358A>G (NM_002666.4); c.358A>G, p.Ile120Val (NM_001145311.2); short protein forms I120V.
Identifiers: ClinVar variation 3892120 (VCV003892120.2).
Genomic context (GRCh38, chr15:89,670,220, plus strand): 5'-CTGAAGTGCTCGCGATGGGAACGCTGATGCTGTTTCTGGCACTGCGGAGGCGGGTGGAGA[T>C]GGTGTCCTTCAGCTCAGAAGCAATCTGGGGGAAGTTGGTGGGGGTGTTAGGCATGTGGTC-3'
Protein context (NP_002657.3, residues 110-130): EKIASELKDT[Ile120Val]STRLRSARNS